The following is an entry in ClinVar:

ClinVar aggregate classification (germline): Uncertain significance (1 of 4 stars; one submission).

Conditions:
Ellis-van Creveld syndrome (EVC). Also called: EVC-Related Ellis-van Creveld Syndrome; EVC2-Related Ellis-van Creveld Syndrome; MESOECTODERMAL DYSPLASIA; Chondroectodermal dysplasia. Identifiers: Orphanet 289, MedGen C0013903, MONDO:0009162, OMIM 225500.
Curry-Hall syndrome (WAD). Also called: WEYERS ACRODENTAL DYSOSTOSIS. Identifiers: Orphanet 952, MedGen C0457013, MONDO:0008673, OMIM 193530.

Submission:

Labcorp Genetics (formerly Invitae), Labcorp
Classification: Uncertain significance for Curry-Hall syndrome; Ellis-van Creveld syndrome. Last evaluated: 2021-06-21. Review status: criteria provided, single submitter. Criteria: Invitae Variant Classification Sherloc (09022015). Collection method: clinical testing. Allele origin: germline.
Comment: Algorithms developed to predict the effect of missense changes on protein structure and function output the following: SIFT: "Deleterious"; PolyPhen-2: "Benign"; Align-GVGD: "Class C0". The glutamine amino acid residue is found in multiple mammalian species, suggesting that this missense change does not adversely affect protein function. These predictions have not been confirmed by published functional studies and their clinical significance is uncertain. In summary, the available evidence is currently insufficient to determine the role of this variant in disease. Therefore, it has been classified as a Variant of Uncertain Significance. This variant has not been reported in the literature in individuals with EVC-related conditions. This variant is not present in population databases (ExAC no frequency). This sequence change replaces glutamic acid with glutamine at codon 711 of the EVC protein (p.Glu711Gln). The glutamic acid residue is moderately conserved and there is a small physicochemical difference between glutamic acid and glutamine.

NM_153717.3(EVC):c.2131G>C (p.Glu711Gln)

Gene: EVC (EvC ciliary complex subunit 1; plus strand). Cytogenetic location: 4p16.2.
Variant type: single nucleotide variant.
Coding change: c.2131G>C on transcript NM_153717.3 (MANE Select); coding-DNA position 2131, G replaced by C.
Protein change: p.Glu711Gln; replaces glutamic acid 711 with glutamine.
Molecular consequence: missense variant.
Genome position (GRCh38, 1-based): chr4:5,798,619, G>C. VCF-style: chr4-5798619-G-C. GRCh37 (hg19) VCF-style: chr4-5800346-G-C.
Other names: c.2131G>C, p.Glu711Gln (NM_001306090.2); short protein forms E711Q.
Identifiers: ClinVar variation 1488914 (VCV001488914.9), dbSNP rs1430134537, ClinGen allele CA356144909.